The following is an entry in ClinVar:

NM_000135.4(FANCA):c.4261-3C>G

Genes: ZNF276 (zinc finger protein 276; plus strand), FANCA (FA complementation group A; minus strand). Cytogenetic location: 16q24.3.
Variant type: single nucleotide variant.
Coding change: c.4261-3C>G on transcript NM_000135.4 (MANE Select); 3 bases into the intron before coding-DNA position 4261, C replaced by G.
Molecular consequence: intron variant. On other transcripts: 3 prime UTR variant (2), non-coding transcript variant (4).
Genome position (GRCh38, 1-based): chr16:89,738,711, G>C on the plus strand (C>G on the coding strand, the complement: FANCA is on the minus strand). VCF-style: chr16-89738711-G-C. GRCh37 (hg19) VCF-style: chr16-89805119-G-C.
Other names: c.*465G>C (NM_001113525.2, NM_152287.4); c.4265-3C>G (NM_001286167.3).
Identifiers: ClinVar variation 974174 (VCV000974174.2), dbSNP rs765478990, ClinGen allele CA624454243.

ClinVar aggregate classification (germline): Pathogenic (0 of 4 stars; one submission).

Conditions:
Fanconi anemia complementation group A (FANCA). Also called: Fanconi anemia, group A; FANCA-Related Fanconi Anemia. Identifiers: Orphanet 84, MedGen C3469521, MONDO:0009215, OMIM 227650.

gnomAD v4.1: 1 of 1,613,846 alleles (0.000062%); highest among the groups gnomAD compares: Non-Finnish European, 0.000085%; no homozygotes.

Submission:

Leiden Open Variation Database
Classification: Pathogenic for Fanconi anemia complementation group A. Last evaluated: 2020-02-28. Review status: no assertion criteria provided. Collection method: curation. Allele origin: germline. Affected: yes.
Comment: Curator: Arleen D. Auerbach. Submitter to LOVD: Arleen D. Auerbach.